The following is an entry in ClinVar:

NM_002907.4(RECQL):c.169G>A (p.Ala57Thr)

Gene: RECQL (RecQ like helicase; minus strand). Cytogenetic location: 12p12.1.
Variant type: single nucleotide variant.
Coding change: c.169G>A on transcript NM_002907.4 (MANE Select); coding-DNA position 169, G replaced by A.
Protein change: p.Ala57Thr; replaces alanine 57 with threonine.
Molecular consequence: missense variant.
Genome position (GRCh38, 1-based): chr12:21,491,564, C>T on the plus strand (G>A on the coding strand, the complement: RECQL is on the minus strand). VCF-style: chr12-21491564-C-T. GRCh37 (hg19) VCF-style: chr12-21644498-C-T.
Other names: c.169G>A, p.Ala57Thr (NM_032941.3); short protein forms A57T.
Identifiers: ClinVar variation 1778313 (VCV001778313.2), dbSNP rs778153893, ClinGen allele CA384134286.

ClinVar aggregate classification (germline): Uncertain significance (1 of 4 stars; one submission).

gnomAD v4.1: 1 of 1,611,686 alleles (0.000062%); highest among the groups gnomAD compares: South Asian, 0.0011%; no homozygotes.

Submission:

Ambry Genetics
Classification: Uncertain significance. Last evaluated: 2021-07-26. Review status: criteria provided, single submitter. Criteria: Ambry Variant Classification Scheme 2023. Collection method: clinical testing. Allele origin: germline.
Comment: The p.A57T variant (also known as c.169G>A), located in coding exon 2 of the RECQL gene, results from a G to A substitution at nucleotide position 169. The alanine at codon 57 is replaced by threonine, an amino acid with similar properties. This amino acid position is conserved. In addition, this alteration is predicted to be tolerated by in silico analysis. Since supporting evidence is limited at this time, the clinical significance of this alteration remains unclear.